The following is an entry in ClinVar:

NM_144687.4(NLRP12):c.2652G>C (p.Gln884His)

Gene: NLRP12 (NLR family pyrin domain containing 12; minus strand). Cytogenetic location: 19q13.42.
Variant type: single nucleotide variant.
Coding change: c.2652G>C on transcript NM_144687.4 (MANE Select); coding-DNA position 2652, G replaced by C.
Protein change: p.Gln884His; replaces glutamine 884 with histidine.
Molecular consequence: missense variant.
Genome position (GRCh38, 1-based): chr19:53,801,331, C>G on the plus strand (G>C on the coding strand, the complement: NLRP12 is on the minus strand). VCF-style: chr19-53801331-C-G. GRCh37 (hg19) VCF-style: chr19-54304585-C-G.
Other names: c.2655G>C, p.Gln885His (NM_001277126.2); c.2652G>C, p.Gln884His (NM_001277129.1); c.2652G>C (NM_144687.2); short protein forms Q885H, Q884H.
Identifiers: ClinVar variation 1937161 (VCV001937161.7), dbSNP rs144100614, ClinGen allele CA310061977.
Genomic context (GRCh38, chr19:53,801,331, plus strand): 5'-CAGCAGCAGCACCCCGAGGTCCCCCAGCTCATTCAGGCTCAGGTCCAGCTCTCTCAGGCT[C>G]TGGTTCACACTGAGAGTTGAGGCCAGCTCGTCACAGGCAGCAGCAGTGAGGCGGCAGATC-3'
Protein context (NP_653288.1, residues 874-894): DELASTLSVN[Gln884His]SLRELDLSLN

ClinVar aggregate classification (germline): Conflicting classifications of pathogenicity. Review status: criteria provided, conflicting classifications (1 of 4 stars). 2 submissions from 2 submitters: Uncertain significance (1); Likely benign (1). Last evaluated 2023-06-21.

Conditions:
Inborn genetic diseases. Identifiers: MedGen C0950123, MeSH D030342.
Familial cold autoinflammatory syndrome 2 (FCAS2). Identifiers: Orphanet 247868, MedGen C2673198, MONDO:0012724, OMIM 611762.

Allele frequency attached by ClinVar (database versions not stated): gnomAD exomes 0.00001; TOPMed 0.00002; gnomAD 0.00004; ESP Exome Variant Server 0.00008.
gnomAD v4.1: 10 of 1,613,800 alleles (0.00062%); highest among the groups gnomAD compares: African/African-American, 0.008%; no homozygotes.

Submissions (2):

Ambry Genetics
Classification: Likely benign for Inborn genetic diseases. Last evaluated: 2023-06-21. Review status: criteria provided, single submitter. Criteria: Ambry Variant Classification Scheme 2023. Collection method: clinical testing. Allele origin: germline.

Labcorp Genetics (formerly Invitae), Labcorp
Classification: Uncertain significance for Familial cold autoinflammatory syndrome 2. Last evaluated: 2022-07-12. Review status: criteria provided, single submitter. Criteria: Invitae Variant Classification Sherloc (09022015). Collection method: clinical testing. Allele origin: germline.
Comment: In summary, the available evidence is currently insufficient to determine the role of this variant in disease. Therefore, it has been classified as a Variant of Uncertain Significance. Algorithms developed to predict the effect of missense changes on protein structure and function output the following: SIFT: "Deleterious"; PolyPhen-2: "Benign"; Align-GVGD: "Class C0". The histidine amino acid residue is found in multiple mammalian species, which suggests that this missense change does not adversely affect protein function. This variant has not been reported in the literature in individuals affected with NLRP12-related conditions. This variant is present in population databases (rs144100614, gnomAD 0.008%). This sequence change replaces glutamine, which is neutral and polar, with histidine, which is basic and polar, at codon 884 of the NLRP12 protein (p.Gln884His).